The following is an entry in ClinVar:

ClinVar aggregate classification (germline): Uncertain significance. Review status: criteria provided, multiple submitters, no conflicts (2 of 4 stars). 2 submissions from 2 submitters: Uncertain significance (2). Last evaluated 2025-10-11.

Conditions:
Developmental and epileptic encephalopathy, 67. Also called: EPILEPTIC ENCEPHALOPATHY, EARLY INFANTILE, 67. Identifiers: MedGen C4748341, MONDO:0029138, OMIM 618141.

Submissions (2):

Dasa
Classification: Uncertain significance. Last evaluated: 2025-10-11. Review status: criteria provided, single submitter. Criteria: DASA Assertion Criteria. Collection method: clinical testing. Allele origin: germline.
Comment: NM_015267.4(CUX2):c.896T>A (p.Leu299Gln) is a missense variant that results in the substitution of leucine with glutamine. This variant is absent from population databases. The currently available literature and clinical evidence are not sufficient to establish a definitive association between this variant and the reported condition. Therefore, this variant is classified as a variant of uncertain significance.

Laboratorio de Genetica e Diagnostico Molecular, Hospital Israelita Albert Einstein
Classification: Uncertain significance for Developmental and epileptic encephalopathy, 67. Last evaluated: 2025-01-29. Review status: criteria provided, single submitter. Criteria: ACMG Guidelines, 2015. Collection method: clinical testing. Allele origin: germline. Affected: yes.
Comment: ACMG classification criteria: PM2 supporting

NM_015267.4(CUX2):c.896T>A (p.Leu299Gln)

Gene: CUX2 (cut like homeobox 2; plus strand). Cytogenetic location: 12q24.12.
Variant type: single nucleotide variant.
Coding change: c.896T>A on transcript NM_015267.4 (MANE Select); coding-DNA position 896, T replaced by A.
Protein change: p.Leu299Gln; replaces leucine 299 with glutamine.
Molecular consequence: missense variant.
Genome position (GRCh38, 1-based): chr12:111,306,958, T>A. VCF-style: chr12-111306958-T-A. GRCh37 (hg19) VCF-style: chr12-111744762-T-A.
Other names: c.710T>A, p.Leu237Gln (NM_001370598.1); short protein forms L237Q, L299Q.
Identifiers: ClinVar variation 3901933 (VCV003901933.3).